The following is an entry in ClinVar:

NM_001034853.2(RPGR):c.2856A>T (p.Glu952Asp)

Gene: RPGR (retinitis pigmentosa GTPase regulator; minus strand). Cytogenetic location: Xp11.4.
Variant type: single nucleotide variant.
Coding change: c.2856A>T on transcript NM_001034853.2 (MANE Select); coding-DNA position 2856, A replaced by T.
Protein change: p.Glu952Asp; replaces glutamic acid 952 with aspartic acid.
Molecular consequence: missense variant. On other transcripts: intron variant (8).
Genome position (GRCh38, 1-based): chrX:38,286,143, T>A on the plus strand (A>T on the coding strand, the complement: RPGR is on the minus strand). VCF-style: chrX-38286143-T-A. GRCh37 (hg19) VCF-style: chrX-38145396-T-A.
Other names: NM_001034853.2(RPGR):c.2856A>T; p.Glu952Asp; c.2856A>T (NM_001034853.1); c.1569+4816A>T (NM_001367249.1, NM_001367250.1); c.1902+951A>T (NM_001367245.1); c.1386+4816A>T (NM_001367251.1); c.1719+951A>T (NM_001367246.1); c.1572+4816A>T (NM_001367247.1); and 2 more; short protein forms E952D.
Identifiers: ClinVar variation 2660291 (VCV002660291.26), dbSNP rs757164085, ClinGen allele CA327915374.

ClinVar aggregate classification (germline): Benign. Review status: reviewed by expert panel (3 of 4 stars). 3 submissions from 3 submitters: Benign (1). 2 of the submissions do not count toward it. Last evaluated 2025-09-05.

Conditions:
RPGR-related retinopathy. Also called: RPGR retinopathy. Identifiers: MedGen CN305589, MONDO:0100437.
RPGR-related disorder. Also called: RPGR-related condition.

Allele frequency attached by ClinVar (database versions not stated): 1000 Genomes Project 0.00185.

Submissions (3):

ClinGen X-linked Inherited Retinal Disease Variant Curation Expert Panel, ClinGen
Classification: Benign for RPGR-related retinopathy. Last evaluated: 2025-09-05. Review status: reviewed by expert panel. Criteria: ClinGen X LinkedIRD ACMG Specifications RPGR V1.0.0. Collection method: curation. Allele origin: germline. Inheritance: X-linked inheritance.
Comment: NM_001034853.2(RPGR):c.2856A>T (p.Glu952Asp) is a missense variant causing substitution of glutamic acid by aspartic acid at amino acid 952. This variant is present in gnomAD v4.1.0 at a frequency of 0.0001313 among hemizygous individuals, with 10 variant alleles / 76,136 total alleles, which is higher than the ClinGen X-linked IRD VCEP BA1 threshold of >0.00005 (BA1). The computational predictor REVEL gives a score of 0.003, which is below the ClinGen X-linked IRD VCEP threshold of less than or equal to 0.003 and predicts a non-damaging effect on RPGR function. Additionally, the splicing impact predictor SpliceAI gives a delta score of 0.00, which is below the ClinGen X-linked IRD VCEP recommended threshold of <0.1 and does not strongly predict an impact on splicing (BP4_Very-Strong). In summary, this variant is classified as benign for RPGR-related retinopathy based on the ClinGen X-linked Inherited Retinal Disease Expert Panel Specifications to the ACMG/AMP Variant Interpretation Guidelines for RPGR Version 1.0.0; BA1 and BP4_Very-Strong.

CeGaT Center for Human Genetics Tuebingen
Classification: Likely benign. Last evaluated: 2026-07-01. Review status: criteria provided, single submitter. Criteria: CeGaT Center For Human Genetics Tuebingen Variant Classification Criteria Version 2. Collection method: clinical testing. Allele origin: germline. Affected: yes. Observed: 2 variant alleles. Not counted in ClinVar's aggregate classification.
Comment: RPGR: BP4

PreventionGenetics, part of Exact Sciences
Classification: Likely benign for RPGR-related condition. Last evaluated: 2025-06-23. Review status: criteria provided, single submitter. Criteria: ACMG Guidelines, 2015. Collection method: clinical testing. Allele origin: germline. Not counted in ClinVar's aggregate classification.
Comment: This variant is classified as likely benign based on ACMG/AMP sequence variant interpretation guidelines (Richards et al. 2015 PMID: 25741868, with internal and published modifications).